The following is an entry in ClinVar:

NM_020975.6(RET):c.3281G>T (p.Ser1094Ile)

Gene: RET (ret proto-oncogene; plus strand). Cytogenetic location: 10q11.21.
Variant type: single nucleotide variant.
Coding change: c.3281G>T on transcript NM_020975.6 (MANE Select); coding-DNA position 3281, G replaced by T.
Protein change: p.Ser1094Ile; replaces serine 1094 with isoleucine.
Molecular consequence: missense variant. On other transcripts: 3 prime UTR variant (18), intron variant (3).
Genome position (GRCh38, 1-based): chr10:43,128,205, G>T. VCF-style: chr10-43128205-G-T. GRCh37 (hg19) VCF-style: chr10-43623653-G-T.
Other names: c.*1451G>T (NM_001406773.1, NM_001406774.1, NM_001406778.1 and 15 more transcripts); c.2555G>T, p.Ser852Ile (NM_001406775.1); c.2495G>T, p.Ser832Ile (NM_001406777.1); c.2384G>T, p.Ser795Ile (NM_001406779.1, NM_001406780.1); c.2255G>T, p.Ser752Ile (NM_001406783.1); c.2096G>T, p.Ser699Ile (NM_001406788.1, NM_001406789.1); c.1832G>T, p.Ser611Ile (NM_001406792.1); c.1772G>T, p.Ser591Ile (NM_001406793.1); and 10 more; short protein forms S1074I, S591I, S752I, S852I, S1049I, S1051I, S611I, S998I.
Identifiers: ClinVar variation 2745332 (VCV002745332.3), dbSNP rs1198591686, ClinGen allele CA376559126.

ClinVar aggregate classification (germline): Uncertain significance (1 of 4 stars; one submission).

Conditions:
Multiple endocrine neoplasia, type 2 (MEN2). Identifiers: Orphanet 653, MedGen C4048306, MONDO:0019003. Disease mechanism: gain of function.

Submission:

Labcorp Genetics (formerly Invitae), Labcorp
Classification: Uncertain significance for Multiple endocrine neoplasia, type 2. Last evaluated: 2023-07-19. Review status: criteria provided, single submitter. Criteria: Invitae Variant Classification Sherloc (09022015). Collection method: clinical testing. Allele origin: germline.
Comment: This variant has not been reported in the literature in individuals affected with RET-related conditions. In summary, the available evidence is currently insufficient to determine the role of this variant in disease. Therefore, it has been classified as a Variant of Uncertain Significance. An algorithm developed to predict the effect of missense changes on protein structure and function (PolyPhen-2) suggests that this variant is likely to be disruptive. This sequence change replaces serine, which is neutral and polar, with isoleucine, which is neutral and non-polar, at codon 1094 of the RET protein (p.Ser1094Ile). This variant is not present in population databases (gnomAD no frequency).